The following is an entry in ClinVar:

ClinVar aggregate classification (germline): Benign/Likely benign. Review status: criteria provided, multiple submitters, no conflicts (2 of 4 stars). 3 submissions from 3 submitters: Benign (2); Likely benign (1). Last evaluated 2026-02-02.

Conditions:
COG5-congenital disorder of glycosylation. Also called: CONGENITAL DISORDER OF GLYCOSYLATION, TYPE IIi; CDG IIi; COG5-CDG. Identifiers: Orphanet 263487, MedGen C3150876, MONDO:0013325, OMIM 613612.

Allele frequency attached by ClinVar (database versions not stated): ESP Exome Variant Server 0.00015; gnomAD 0.00091 and 0.00116; TOPMed 0.00144; ExAC 0.00202; gnomAD exomes 0.00236; 1000 Genomes Project 30x 0.00468; 1000 Genomes Project 0.00519.
gnomAD v4.1: 1,371 of 1,613,522 alleles (0.085%); highest among the groups gnomAD compares: East Asian, 2.1%; 12 homozygotes.

Submissions (3):

Labcorp Genetics (formerly Invitae), Labcorp
Classification: Benign for COG5-congenital disorder of glycosylation. Last evaluated: 2026-02-02. Review status: criteria provided, single submitter. Criteria: Invitae Variant Classification Sherloc (09022015). Collection method: clinical testing. Allele origin: germline.

Illumina Laboratory Services, Illumina
Classification: Likely benign for COG5-congenital disorder of glycosylation. Last evaluated: 2018-01-13. Review status: criteria provided, single submitter. Criteria: ICSL Variant Classification Criteria 13 December 2019. Collection method: clinical testing. Allele origin: germline.
Comment: This variant was observed in the ICSL laboratory as part of a predisposition screen in an ostensibly healthy population. It had not been previously curated by ICSL or reported in the Human Gene Mutation Database (HGMD: prior to June 1st, 2018), and was therefore a candidate for classification through an automated scoring system. Utilizing variant allele frequency, disease prevalence and penetrance estimates, and inheritance mode, an automated score was calculated to assess if this variant is too frequent to cause the disease. Based on the score and internal cut-off values, a variant classified as likely benign is not then subjected to further curation. The score for this variant resulted in a classification of likely benign for this disease.

GeneDx
Classification: Benign. Last evaluated: 2016-05-24. Review status: criteria provided, single submitter. Criteria: GeneDx Variant Classification (06012015). Collection method: clinical testing. Allele origin: germline. Affected: yes.
Comment: This variant is considered likely benign or benign based on one or more of the following criteria: it is a conservative change, it occurs at a poorly conserved position in the protein, it is predicted to be benign by multiple in silico algorithms, and/or has population frequency not consistent with disease.

NM_006348.5(COG5):c.451A>G (p.Ile151Val)

Gene: COG5 (component of oligomeric golgi complex 5; minus strand). Cytogenetic location: 7q22.3.
Variant type: single nucleotide variant.
Coding change: c.451A>G on transcript NM_006348.5 (MANE Select); coding-DNA position 451, A replaced by G.
Protein change: p.Ile151Val; replaces isoleucine 151 with valine.
Molecular consequence: missense variant. On other transcripts: intron variant (1).
Genome position (GRCh38, 1-based): chr7:107,527,324, T>C on the plus strand (A>G on the coding strand, the complement: COG5 is on the minus strand). VCF-style: chr7-107527324-T-C. GRCh37 (hg19) VCF-style: chr7-107167769-T-C.
Other names: c.451A>G, p.Ile151Val (NM_001161520.2, NM_001379511.1, NM_001379512.1 and 4 more transcripts); c.234+30652A>G (NM_001379516.1); short protein forms I182V, I151V.
Identifiers: ClinVar variation 358472 (VCV000358472.16), dbSNP rs79413133, ClinGen allele CA4431376.